The following is an entry in ClinVar:

NM_002004.4(FDPS):c.189C>T (p.Ser63=)

Gene: FDPS (farnesyl diphosphate synthase; plus strand). Cytogenetic location: 1q22.
Variant type: single nucleotide variant.
Coding change: c.189C>T on transcript NM_002004.4 (MANE Select); coding-DNA position 189, C replaced by T.
Protein change: p.Ser63=; no amino-acid change (serine 63 retained).
Molecular consequence: synonymous variant. On other transcripts: 5 prime UTR variant (2), intron variant (3).
Genome position (GRCh38, 1-based): chr1:155,310,055, C>T. VCF-style: chr1-155310055-C-T. GRCh37 (hg19) VCF-style: chr1-155279846-C-T.
Other names: c.189C>T, p.Ser63= (NM_001135821.2); c.-10C>T (NM_001242824.2, NM_001378425.1); c.-1-9C>T (NM_001378424.1, NM_001135822.2); c.-175+1090C>T (NM_001242825.2).
Identifiers: ClinVar variation 3041400 (VCV003041400.2), dbSNP rs143038155, ClinGen allele CA1144579.

ClinVar aggregate classification (germline): Benign (0 of 4 stars; one submission).

Conditions:
FDPS-related disorder. Also called: FDPS-related condition.

Allele frequency attached by ClinVar (database versions not stated): 1000 Genomes Project 30x 0.00078; 1000 Genomes Project 0.00080; ESP Exome Variant Server 0.00085; TOPMed 0.00127; gnomAD exomes 0.00178; gnomAD 0.00223; ExAC 0.00253.
gnomAD v4.1: 2,989 of 1,613,606 alleles (0.19%); highest among the groups gnomAD compares: Non-Finnish European, 0.14%; 10 homozygotes.

Submission:

PreventionGenetics, part of Exact Sciences
Classification: Benign for FDPS-related condition. Last evaluated: 2020-03-23. Review status: no assertion criteria provided. Collection method: clinical testing. Allele origin: germline.
Comment: This variant is classified as benign based on ACMG/AMP sequence variant interpretation guidelines (Richards et al. 2015 PMID: 25741868, with internal and published modifications).